The following is an entry in ClinVar:

ClinVar aggregate classification (germline): Uncertain significance. Review status: criteria provided, multiple submitters, no conflicts (2 of 4 stars). 3 submissions from 3 submitters: Uncertain significance (3). Last evaluated 2025-07-31.

Conditions:
Baller-Gerold syndrome (BGS). Also called: CRANIOSYNOSTOSIS WITH RADIAL DEFECTS. Identifiers: Orphanet 1225, MedGen C0265308, MONDO:0009039, OMIM 218600.
Inborn genetic diseases. Identifiers: MedGen C0950123, MeSH D030342.

Allele frequency attached by ClinVar (database versions not stated): gnomAD 0.00001; TOPMed 0.00002.
gnomAD v4.1: 46 of 1,352,064 alleles (0.0034%); highest among the groups gnomAD compares: Non-Finnish European, 0.0042%; no homozygotes.

Submissions (3):

Labcorp Genetics (formerly Invitae), Labcorp
Classification: Uncertain significance for Baller-Gerold syndrome. Last evaluated: 2025-07-31. Review status: criteria provided, single submitter. Criteria: Invitae Variant Classification Sherloc (09022015). Collection method: clinical testing. Allele origin: germline.
Comment: This sequence change replaces arginine, which is basic and polar, with proline, which is neutral and non-polar, at codon 20 of the RECQL4 protein (p.Arg20Pro). This variant is not present in population databases (gnomAD no frequency). This variant has not been reported in the literature in individuals affected with RECQL4-related conditions. ClinVar contains an entry for this variant (Variation ID: 582627). Experimental studies and prediction algorithms are not available or were not evaluated, and the functional significance of this variant is currently unknown. In summary, the available evidence is currently insufficient to determine the role of this variant in disease. Therefore, it has been classified as a Variant of Uncertain Significance.

GeneDx
Classification: Uncertain significance. Last evaluated: 2025-01-25. Review status: criteria provided, single submitter. Criteria: GeneDx Variant Classification Process June 2021. Collection method: clinical testing. Allele origin: germline. Affected: yes.
Comment: Not observed at significant frequency in large population cohorts (gnomAD); In silico analysis indicates that this missense variant does not alter protein structure/function; Has not been previously published as pathogenic or benign to our knowledge

Ambry Genetics
Classification: Uncertain significance for Inborn genetic diseases. Last evaluated: 2024-12-14. Review status: criteria provided, single submitter. Criteria: Ambry Variant Classification Scheme 2023. Collection method: clinical testing. Allele origin: germline.
Comment: The p.R20P variant (also known as c.59G>C), located in coding exon 1 of the RECQL4 gene, results from a G to C substitution at nucleotide position 59. The arginine at codon 20 is replaced by proline, an amino acid with dissimilar properties. This amino acid position is conserved. In addition, this alteration is predicted to be tolerated by in silico analysis. Based on the available evidence, the clinical significance of this variant remains unclear.

NM_004260.4(RECQL4):c.59G>C (p.Arg20Pro)

Genes: RECQL4 (RecQ like helicase 4; minus strand), LOC130001411 (ATAC-STARR-seq lymphoblastoid silent region 19699; plus strand). Cytogenetic location: 8q24.3.
Variant type: single nucleotide variant.
Coding change: c.59G>C on transcript NM_004260.4 (MANE Select); coding-DNA position 59, G replaced by C.
Protein change: p.Arg20Pro; replaces arginine 20 with proline.
Molecular consequence: missense variant.
Genome position (GRCh38, 1-based): chr8:144,517,726, C>G on the plus strand (G>C on the coding strand, the complement: RECQL4 is on the minus strand). VCF-style: chr8-144517726-C-G. GRCh37 (hg19) VCF-style: chr8-145743110-C-G.
Other names: short protein forms R20P.
Identifiers: ClinVar variation 582627 (VCV000582627.10), dbSNP rs990552711, ClinGen allele CA187691286.